The following is an entry in ClinVar:

NM_015559.3(SETBP1):c.2915G>A (p.Arg972Gln)

Gene: SETBP1 (SET binding protein 1; plus strand). Cytogenetic location: 18q12.3.
Variant type: single nucleotide variant.
Coding change: c.2915G>A on transcript NM_015559.3 (MANE Select); coding-DNA position 2915, G replaced by A.
Protein change: p.Arg972Gln; replaces arginine 972 with glutamine.
Molecular consequence: missense variant.
Genome position (GRCh38, 1-based): chr18:44,952,255, G>A. VCF-style: chr18-44952255-G-A. GRCh37 (hg19) VCF-style: chr18-42532220-G-A.
Other names: c.2915G>A, p.Arg972Gln (NM_001379141.1, NM_001379142.1); short protein forms R972Q.
Identifiers: ClinVar variation 1364887 (VCV001364887.9), dbSNP rs759901142, ClinGen allele CA8945822.

ClinVar aggregate classification (germline): Conflicting classifications of pathogenicity. Review status: criteria provided, conflicting classifications (1 of 4 stars). 3 submissions from 3 submitters: Uncertain significance (2); Benign (1). Last evaluated 2023-10-16.

Allele frequency attached by ClinVar (database versions not stated): gnomAD exomes below 0.00001 and 0.00001; TOPMed below 0.00001; ExAC 0.00001; gnomAD 0.00001.
gnomAD v4.1: 5 of 1,613,898 alleles (0.00031%); highest among the groups gnomAD compares: Admixed American, 0.0017%; no homozygotes.

Submissions (3):

Labcorp Genetics (formerly Invitae), Labcorp
Classification: Benign. Last evaluated: 2023-10-16. Review status: criteria provided, single submitter. Criteria: Invitae Variant Classification Sherloc (09022015). Collection method: clinical testing. Allele origin: germline.

Revvity Omics, Revvity
Classification: Uncertain significance. Last evaluated: 2022-05-23. Review status: criteria provided, single submitter. Criteria: ACMG Guidelines, 2015. Collection method: clinical testing. Allele origin: germline.

GeneDx
Classification: Uncertain significance. Last evaluated: 2022-05-16. Review status: criteria provided, single submitter. Criteria: GeneDx Variant Classification Process June 2021. Collection method: clinical testing. Allele origin: germline. Affected: yes.
Comment: In silico analysis supports that this missense variant has a deleterious effect on protein structure/function; Has not been previously published as pathogenic or benign to our knowledge